The following is an entry in ClinVar:

NM_007347.5(AP4E1):c.1912G>A (p.Ala638Thr)

Gene: AP4E1 (adaptor related protein complex 4 subunit epsilon 1; plus strand). Cytogenetic location: 15q21.2.
Variant type: single nucleotide variant.
Coding change: c.1912G>A on transcript NM_007347.5 (MANE Select); coding-DNA position 1912, G replaced by A.
Protein change: p.Ala638Thr; replaces alanine 638 with threonine.
Molecular consequence: missense variant.
Genome position (GRCh38, 1-based): chr15:50,968,323, G>A. VCF-style: chr15-50968323-G-A. GRCh37 (hg19) VCF-style: chr15-51260520-G-A.
Other names: c.1687G>A, p.Ala563Thr (NM_001252127.2); short protein forms A563T, A638T.
Identifiers: ClinVar variation 2098952 (VCV002098952.4), dbSNP rs2504835910, ClinGen allele CA392417528.
Genomic context (GRCh38, chr15:50,968,323, plus strand): 5'-GTAGATGCTTCTTTATCTTTTCTGGATGGTTTTGTGGCTGAAGGACTCAGTCAGGGTGCA[G>A]CGCCTTACAAACCTCCCCATCAACGCCAGGAGGAAAAGCTTTCTCAGGAAAAAGGTAATT-3'
Protein context (NP_031373.2, residues 628-648): FVAEGLSQGA[Ala638Thr]PYKPPHQRQE

ClinVar aggregate classification (germline): Uncertain significance (1 of 4 stars; one submission).

Conditions:
Spastic paraplegia. Identifiers: MedGen C0037772, HP:0001258.

Submission:

Labcorp Genetics (formerly Invitae), Labcorp
Classification: Uncertain significance for Spastic paraplegia. Last evaluated: 2024-07-01. Review status: criteria provided, single submitter. Criteria: Invitae Variant Classification Sherloc (09022015). Collection method: clinical testing. Allele origin: germline.
Comment: This sequence change replaces alanine, which is neutral and non-polar, with threonine, which is neutral and polar, at codon 638 of the AP4E1 protein (p.Ala638Thr). This variant is not present in population databases (gnomAD no frequency). This variant has not been reported in the literature in individuals affected with AP4E1-related conditions. ClinVar contains an entry for this variant (Variation ID: 2098952). An algorithm developed to predict the effect of missense changes on protein structure and function (PolyPhen-2) suggests that this variant is likely to be disruptive. In summary, the available evidence is currently insufficient to determine the role of this variant in disease. Therefore, it has been classified as a Variant of Uncertain Significance.